The following is an entry in ClinVar:

NM_006846.4(SPINK5):c.2241-160G>C

Gene: SPINK5 (serine peptidase inhibitor Kazal type 5; plus strand). Cytogenetic location: 5q32.
Variant type: single nucleotide variant.
Coding change: c.2241-160G>C on transcript NM_006846.4 (MANE Select); 160 bases into the intron before coding-DNA position 2241, G replaced by C.
Molecular consequence: intron variant.
Genome position (GRCh38, 1-based): chr5:148,118,826, G>C. VCF-style: chr5-148118826-G-C. GRCh37 (hg19) VCF-style: chr5-147498389-G-C.
Other names: c.2241-160G>C (NM_001127698.2, NM_001127699.2).
Identifiers: ClinVar variation 674427 (VCV000674427.1), dbSNP rs3764927, ClinGen allele CA11947088.

ClinVar aggregate classification (germline): Benign (1 of 4 stars; one submission).

Allele frequency attached by ClinVar (database versions not stated): 1000 Genomes Project 30x 0.48829; 1000 Genomes Project 0.48842; TOPMed 0.53621; gnomAD 0.54178 and 0.54225.
gnomAD v4.1: 82,442 of 151,934 alleles (54%); highest among the groups gnomAD compares: Admixed American, 64%; 23,515 homozygotes.

Submission:

GeneDx
Classification: Benign. Last evaluated: 2018-06-14. Review status: criteria provided, single submitter. Criteria: GeneDx Variant Classification (06012015). Collection method: clinical testing. Allele origin: germline. Affected: yes.
Comment: This variant is considered likely benign or benign based on one or more of the following criteria: it is a conservative change, it occurs at a poorly conserved position in the protein, it is predicted to be benign by multiple in silico algorithms, and/or has population frequency not consistent with disease.